The following is an entry in ClinVar:

ClinVar aggregate classification (germline): Pathogenic/Likely pathogenic. Review status: criteria provided, multiple submitters, no conflicts (2 of 4 stars). 3 submissions from 3 submitters: Pathogenic (1); Likely pathogenic (2). Last evaluated 2023-08-22.

Conditions:
Arthrogryposis multiplex congenita 6. Identifiers: MedGen C5543431, MONDO:0030281, OMIM 619334.
Nemaline myopathy 2 (NEM2). Also called: Nemaline myopathy 2, autosomal recessive. Identifiers: MedGen C1850569, MONDO:0009725, OMIM 256030.

Submissions (3):

Baylor Genetics
Classification: Likely pathogenic for Arthrogryposis multiplex congenita 6. Last evaluated: 2023-08-22. Review status: criteria provided, single submitter. Criteria: ACMG Guidelines, 2015. Collection method: clinical testing. Allele origin: unknown.

Labcorp Genetics (formerly Invitae), Labcorp
Classification: Likely pathogenic for Nemaline myopathy 2. Last evaluated: 2023-08-16. Review status: criteria provided, single submitter. Criteria: Invitae Variant Classification Sherloc (09022015). Collection method: clinical testing. Allele origin: germline.
Comment: In summary, the currently available evidence indicates that the variant is pathogenic, but additional data are needed to prove that conclusively. Therefore, this variant has been classified as Likely Pathogenic. Algorithms developed to predict the effect of sequence changes on RNA splicing suggest that this variant may disrupt the consensus splice site. ClinVar contains an entry for this variant (Variation ID: 871821). This variant has not been reported in the literature in individuals affected with NEB-related conditions. This variant is not present in population databases (gnomAD no frequency). This sequence change affects an acceptor splice site in intron 114 of the NEB gene. It is expected to disrupt RNA splicing. Variants that disrupt the donor or acceptor splice site typically lead to a loss of protein function (PMID: 16199547), and loss-of-function variants in NEB are known to be pathogenic (PMID: 25205138).

CeGaT Center for Human Genetics Tuebingen
Classification: Pathogenic. Last evaluated: 2019-08-01. Review status: criteria provided, single submitter. Criteria: CeGaT Center For Human Genetics Tuebingen Variant Classification Criteria Version 2. Collection method: clinical testing. Allele origin: germline. Affected: yes. Observed: 3 variant alleles.

Literature cited by the submitters: PubMed 16199547 (cited by Labcorp Genetics (formerly Invitae), Labcorp); PubMed 25205138 (cited by Labcorp Genetics (formerly Invitae), Labcorp).

NM_001164508.2(NEB):c.18157-2A>G

Gene: NEB (nebulin; minus strand). Cytogenetic location: 2q23.3.
Variant type: single nucleotide variant.
Coding change: c.18157-2A>G on transcript NM_001164508.2 (MANE Select); the canonical splice acceptor site of the intron before coding-DNA position 18157, A replaced by G.
Molecular consequence: splice acceptor variant.
Genome position (GRCh38, 1-based): chr2:151,565,822, T>C on the plus strand (A>G on the coding strand, the complement: NEB is on the minus strand). VCF-style: chr2-151565822-T-C. GRCh37 (hg19) VCF-style: chr2-152422336-T-C.
Other names: c.13054-2A>G (NM_004543.5); c.18157-2A>G (NM_001164507.2, NM_001271208.2, NM_001271208.1).
Identifiers: ClinVar variation 871821 (VCV000871821.45), dbSNP rs925947627, ClinGen allele CA57659278.
Genomic context (GRCh38, chr2:151,565,822, plus strand): 5'-GAATCCAGTGGGATCCAGCCAATGCCTCGGAGCCACTCCAGGTCAGCTCTGTAGACATTC[T>C]GAGAGCAGGAAGAGAGATATAATGGAGGAATAAATGACTGAGACACAGGCTTACAGAGGG-3'